The following is an entry in ClinVar:

NM_001851.6(COL9A1):c.976-157T>C

Gene: COL9A1 (collagen type IX alpha 1 chain; minus strand). Cytogenetic location: 6q13.
Variant type: single nucleotide variant.
Coding change: c.976-157T>C on transcript NM_001851.6 (MANE Select); 157 bases into the intron before coding-DNA position 976, T replaced by C.
Molecular consequence: intron variant.
Genome position (GRCh38, 1-based): chr6:70,274,929, A>G on the plus strand (T>C on the coding strand, the complement: COL9A1 is on the minus strand). VCF-style: chr6-70274929-A-G. GRCh37 (hg19) VCF-style: chr6-70984632-A-G.
Other names: c.247-157T>C (NM_001377290.1, NM_078485.4, NM_001377289.1).
Identifiers: ClinVar variation 679552 (VCV000679552.1), dbSNP rs41265345, ClinGen allele CA140818267.

ClinVar aggregate classification (germline): Likely benign (1 of 4 stars; one submission).

Allele frequency attached by ClinVar (database versions not stated): TOPMed 0.00562; 1000 Genomes Project 30x 0.00593; 1000 Genomes Project 0.00619; gnomAD 0.00730 and 0.00735.
gnomAD v4.1: 4,652 of 634,200 alleles (0.73%); highest among the groups gnomAD compares: Non-Finnish European, 0.83%; 36 homozygotes.

Submission:

GeneDx
Classification: Likely benign. Last evaluated: 2018-06-14. Review status: criteria provided, single submitter. Criteria: GeneDx Variant Classification (06012015). Collection method: clinical testing. Allele origin: germline. Affected: yes.
Comment: This variant is considered likely benign or benign based on one or more of the following criteria: it is a conservative change, it occurs at a poorly conserved position in the protein, it is predicted to be benign by multiple in silico algorithms, and/or has population frequency not consistent with disease.